The following is an entry in ClinVar:

NM_001113378.2(FANCI):c.3411A>T (p.Gln1137His)

Gene: FANCI (FA complementation group I; plus strand). Cytogenetic location: 15q26.1.
Variant type: single nucleotide variant.
Coding change: c.3411A>T on transcript NM_001113378.2 (MANE Select); coding-DNA position 3411, A replaced by T.
Protein change: p.Gln1137His; replaces glutamine 1137 with histidine.
Molecular consequence: missense variant.
Genome position (GRCh38, 1-based): chr15:89,306,068, A>T. VCF-style: chr15-89306068-A-T. GRCh37 (hg19) VCF-style: chr15-89849299-A-T.
Other names: c.3132A>T, p.Gln1044His (NM_001376910.1); c.3411A>T, p.Gln1137His (NM_001376911.1); c.3231A>T, p.Gln1077His (NM_018193.3); short protein forms Q1077H, Q1044H, Q1137H.
Identifiers: ClinVar variation 2190067 (VCV002190067.4), dbSNP rs781569040, ClinGen allele CA7723712.

ClinVar aggregate classification (germline): Uncertain significance (1 of 4 stars; one submission).

Conditions:
Fanconi anemia (FA). Also called: Fanconi's anemia. Identifiers: Orphanet 84, MedGen C0015625, MeSH D005199, MONDO:0019391.

Allele frequency attached by ClinVar (database versions not stated): ExAC 0.00001.

Submission:

Labcorp Genetics (formerly Invitae), Labcorp
Classification: Uncertain significance for Fanconi anemia. Last evaluated: 2022-06-15. Review status: criteria provided, single submitter. Criteria: Invitae Variant Classification Sherloc (09022015). Collection method: clinical testing. Allele origin: germline.
Comment: In summary, the available evidence is currently insufficient to determine the role of this variant in disease. Therefore, it has been classified as a Variant of Uncertain Significance. Algorithms developed to predict the effect of missense changes on protein structure and function are either unavailable or do not agree on the potential impact of this missense change (SIFT: "Deleterious"; PolyPhen-2: "Possibly Damaging"; Align-GVGD: "Class C0"). This variant has not been reported in the literature in individuals affected with FANCI-related conditions. This variant is not present in population databases (gnomAD no frequency). This sequence change replaces glutamine, which is neutral and polar, with histidine, which is basic and polar, at codon 1137 of the FANCI protein (p.Gln1137His).